The following is an entry in ClinVar:

ClinVar aggregate classification (germline): Uncertain significance (1 of 4 stars; one submission).

Conditions:
Inborn genetic diseases. Identifiers: MedGen C0950123, MeSH D030342.

Submission:

Ambry Genetics
Classification: Uncertain significance for Inborn genetic diseases. Last evaluated: 2025-03-24. Review status: criteria provided, single submitter. Criteria: Ambry Variant Classification Scheme 2023. Collection method: clinical testing. Allele origin: germline.
Comment: The c.1729_1732dupAAAC (p.L578Qfs*9) alteration, located in exon 6 (coding exon 6) of the PPM1D gene, consists of a duplication of AAAC at position 1729, causing a translational frameshift with a predicted alternate stop codon after 9 amino acids. This alteration occurs at the 3' terminus of the PPM1D gene and is not expected to trigger nonsense-mediated mRNA decay. This variant was not reported in population-based cohorts in the Genome Aggregation Database (gnomAD). Based on insufficient or conflicting evidence, the clinical significance of this alteration remains unclear.

NM_003620.4(PPM1D):c.1729_1732dup (p.Leu578fs)

Gene: PPM1D (protein phosphatase, Mg2+/Mn2+ dependent 1D; plus strand). Cytogenetic location: 17q23.2.
Variant type: Duplication.
Coding change: c.1729_1732dup on transcript NM_003620.4 (MANE Select); coding-DNA positions 1729 to 1732, 4 bases duplicated (AAAC; older notation c.1729_1732dupAAAC).
Protein change: p.Leu578fs; shifts the reading frame from leucine 578.
Molecular consequence: frameshift variant.
Genome position (GRCh38, 1-based): chr17:60,663,463-60,663,466, AAAC duplicated. VCF-style (leftmost placement, unchanged base first): chr17-60663462-T-TAAAC. GRCh37 (hg19) VCF-style: chr17-58740823-T-TAAAC.
Other names: c.1729_1732dupAAAC (NM_003620.3); short protein forms L578fs.
Identifiers: ClinVar variation 3936786 (VCV003936786.1).
Genomic context (GRCh38, chr17:60,663,462, plus strand): 5'-TCGAAGTAGTGGTGCTCAGCCTGCAAGTCTCCCCACAACCTCACAGCGAAAGAACTCTGT[T>TAAAC]AAACTCACCATGCGACGCAGACTTAGGGGCCAGAAGAAAATTGGAAATCCTTTACTTCAT-3'